The following is an entry in ClinVar:

NM_144687.4(NLRP12):c.2134A>G (p.Asn712Asp)

Gene: NLRP12 (NLR family pyrin domain containing 12; minus strand). Cytogenetic location: 19q13.42.
Variant type: single nucleotide variant.
Coding change: c.2134A>G on transcript NM_144687.4 (MANE Select); coding-DNA position 2134, A replaced by G.
Protein change: p.Asn712Asp; replaces asparagine 712 with aspartic acid.
Molecular consequence: missense variant.
Genome position (GRCh38, 1-based): chr19:53,807,604, T>C on the plus strand (A>G on the coding strand, the complement: NLRP12 is on the minus strand). VCF-style: chr19-53807604-T-C. GRCh37 (hg19) VCF-style: chr19-54310858-T-C.
Other names: c.2137A>G, p.Asn713Asp (NM_001277126.2); c.2134A>G, p.Asn712Asp (NM_001277129.1); short protein forms N712D, N713D.
Identifiers: ClinVar variation 3389098 (VCV003389098.14).
Genomic context (GRCh38, chr19:53,807,604, plus strand): 5'-GCTTCACCCCCCGGCTGCCCAGGGCATTTCGGTACAGAGACAGCTCTATCAGGTTTGGAT[T>C]GGTGCACAGGGCCGCTGCCAGATGTTCACTGTAGGCGTCCAGCAGAACGGTCCTCTCTGG-3'
Protein context (NP_653288.1, residues 702-722): SEHLAAALCT[Asn712Asp]PNLIELSLYR

ClinVar aggregate classification (germline): Uncertain significance (1 of 4 stars; one submission).

gnomAD v4.1: 2 of 1,614,162 alleles (0.00012%); highest among the groups gnomAD compares: South Asian, 0.0022%; no homozygotes.

Submission:

CeGaT Center for Human Genetics Tuebingen
Classification: Uncertain significance. Last evaluated: 2024-09-01. Review status: criteria provided, single submitter. Criteria: CeGaT Center For Human Genetics Tuebingen Variant Classification Criteria Version 2. Collection method: clinical testing. Allele origin: germline. Affected: yes. Observed: 1 variant allele.
Comment: NLRP12: PM2